The following is an entry in ClinVar:

ClinVar aggregate classification (germline): Uncertain significance (1 of 4 stars; one submission).

Allele frequency attached by ClinVar (database versions not stated): TOPMed below 0.00001; gnomAD exomes 0.00001.

Submission:

Labcorp Genetics (formerly Invitae), Labcorp
Classification: Uncertain significance. Last evaluated: 2024-05-20. Review status: criteria provided, single submitter. Criteria: Invitae Variant Classification Sherloc (09022015). Collection method: clinical testing. Allele origin: germline.
Comment: This sequence change replaces valine, which is neutral and non-polar, with methionine, which is neutral and non-polar, at codon 383 of the HYOU1 protein (p.Val383Met). This variant is present in population databases (no rsID available, gnomAD no frequency). This variant has not been reported in the literature in individuals affected with HYOU1-related conditions. An algorithm developed to predict the effect of missense changes on protein structure and function (PolyPhen-2) suggests that this variant is likely to be disruptive. In summary, the available evidence is currently insufficient to determine the role of this variant in disease. Therefore, it has been classified as a Variant of Uncertain Significance.

NM_006389.5(HYOU1):c.1147G>A (p.Val383Met)

Genes: HYOU1 (hypoxia up-regulated 1; minus strand), LOC130006884 (ATAC-STARR-seq lymphoblastoid active region 5617; plus strand). Cytogenetic location: 11q23.3.
Variant type: single nucleotide variant.
Coding change: c.1147G>A on transcript NM_006389.5 (MANE Select); coding-DNA position 1147, G replaced by A.
Protein change: p.Val383Met; replaces valine 383 with methionine.
Molecular consequence: missense variant.
Genome position (GRCh38, 1-based): chr11:119,052,148, C>T on the plus strand (G>A on the coding strand, the complement: HYOU1 is on the minus strand). VCF-style: chr11-119052148-C-T. GRCh37 (hg19) VCF-style: chr11-118922860-C-T.
Other names: c.1147G>A, p.Val383Met (NM_001130991.3, NM_001411041.1); short protein forms V383M.
Identifiers: ClinVar variation 2784628 (VCV002784628.3), dbSNP rs1430220533, ClinGen allele CA382941453.
Genomic context (GRCh38, chr11:119,052,148, plus strand): 5'-ACTTGCCCACGGCCTTCAGCAGCACCTCCTGAACTCTGGGGACCCGAGTGGCCCCACCCA[C>T]CAGGATCACCTGCTCAATCTCATCCTGCAGTGGGTAAGAATGACAGGTGCAACAGCATGC-3'
Protein context (NP_006380.1, residues 373-393): SLDEIEQVIL[Val383Met]GGATRVPRVQ